The following is an entry in ClinVar:

ClinVar aggregate classification (germline): Uncertain significance (1 of 4 stars; one submission).

Conditions:
DIP2C-related disorder. Also called: DIP2C-related condition.

Allele frequency attached by ClinVar (database versions not stated): gnomAD exomes below 0.00001.
gnomAD v4.1: 1 of 1,614,034 alleles (0.000062%); highest among the groups gnomAD compares: Non-Finnish European, 0.000085%; no homozygotes.

Submission:

PreventionGenetics, part of Exact Sciences
Classification: Uncertain significance for DIP2C-related condition. Last evaluated: 2023-01-13. Review status: criteria provided, single submitter. Criteria: ACMG Guidelines, 2015. Collection method: clinical testing. Allele origin: germline.
Comment: The DIP2C c.4318G>A variant is predicted to result in the amino acid substitution p.Val1440Ile. To our knowledge, this variant has not been reported in the literature or in a large population database, indicating this variant is rare. At this time, the clinical significance of this variant is uncertain due to the absence of conclusive functional and genetic evidence.

NM_014974.3(DIP2C):c.4318G>A (p.Val1440Ile)

Gene: DIP2C (disco interacting protein 2 homolog C; minus strand). Cytogenetic location: 10p15.3.
Variant type: single nucleotide variant.
Coding change: c.4318G>A on transcript NM_014974.3 (MANE Select); coding-DNA position 4318, G replaced by A.
Protein change: p.Val1440Ile; replaces valine 1440 with isoleucine.
Molecular consequence: missense variant.
Genome position (GRCh38, 1-based): chr10:281,300, C>T on the plus strand (G>A on the coding strand, the complement: DIP2C is on the minus strand). VCF-style: chr10-281300-C-T. GRCh37 (hg19) VCF-style: chr10-327240-C-T.
Other names: short protein forms V1440I.
Identifiers: ClinVar variation 2629927 (VCV002629927.1), dbSNP rs1564499793, ClinGen allele CA375827371.